The following is an entry in ClinVar:

ClinVar aggregate classification (germline): Uncertain significance. Review status: criteria provided, multiple submitters, no conflicts (2 of 4 stars). 2 submissions from 2 submitters: Uncertain significance (2). Last evaluated 2025-10-14.

Conditions:
Osteoporosis with pseudoglioma (OPPG). Also called: osteoporosis-pseudoglioma syndrome. Identifiers: Orphanet 2788, MedGen C0432252, MONDO:0009820, OMIM 259770.
Autosomal dominant osteopetrosis 1 (OPTA1). Also called: OSTEOPETROSIS, AUTOSOMAL DOMINANT, TYPE I. Identifiers: Orphanet 2783, MedGen C1843330, MONDO:0011877, OMIM 607634.
Bone mineral density quantitative trait locus 1 (BMND1). Identifiers: MedGen C1866079, OMIM 601884.
Worth disease. Also called: OSTEOSCLEROSIS, AUTOSOMAL DOMINANT; Autosomal dominant osteosclerosis, Worth type; ENDOSTEAL HYPEROSTOSIS, AUTOSOMAL DOMINANT. Identifiers: Orphanet 2790, MedGen C0432273, MONDO:0007764, OMIM 144750.
Polycystic liver disease 4 with or without kidney cysts. Identifiers: MedGen C4693479, MONDO:0044327, OMIM 617875.
Exudative vitreoretinopathy 4 (EVR4). Identifiers: Orphanet 891, MedGen C1866176, MONDO:0011151, OMIM 601813.

Allele frequency attached by ClinVar (database versions not stated): gnomAD exomes below 0.00001 and 0.00002; TOPMed 0.00002.
gnomAD v4.1: 30 of 1,614,132 alleles (0.0019%); highest among the groups gnomAD compares: Non-Finnish European, 0.0025%; no homozygotes.

Submissions (2):

Labcorp Genetics (formerly Invitae), Labcorp
Classification: Uncertain significance. Last evaluated: 2025-10-14. Review status: criteria provided, single submitter. Criteria: Invitae Variant Classification Sherloc (09022015). Collection method: clinical testing. Allele origin: germline.
Comment: This sequence change replaces aspartic acid, which is acidic and polar, with asparagine, which is neutral and polar, at codon 683 of the LRP5 protein (p.Asp683Asn). This variant is present in population databases (no rsID available, gnomAD 0.0009%). This missense change has been observed in individual(s) with osteoporosis-pseudoglioma syndrome (PMID: 16252235). ClinVar contains an entry for this variant (Variation ID: 862600). Invitae Evidence Modeling of protein sequence and biophysical properties (such as structural, functional, and spatial information, amino acid conservation, physicochemical variation, residue mobility, and thermodynamic stability) has been performed for this missense variant. However, the output from this modeling did not meet the statistical confidence thresholds required to predict the impact of this variant on LRP5 protein function. In summary, the available evidence is currently insufficient to determine the role of this variant in disease. Therefore, it has been classified as a Variant of Uncertain Significance.

Fulgent Genetics
Classification: Uncertain significance for Worth disease; Osteoporosis with pseudoglioma; Exudative vitreoretinopathy 4; Bone mineral density quantitative trait locus 1; Autosomal dominant osteopetrosis 1; Polycystic liver disease 4 with or without kidney cysts. Last evaluated: 2024-02-13. Review status: criteria provided, single submitter. Criteria: ACMG Guidelines, 2015. Collection method: clinical testing. Allele origin: germline.

Literature cited by the submitters: PubMed 16252235 (cited by Labcorp Genetics (formerly Invitae), Labcorp).

NM_002335.4(LRP5):c.2047G>A (p.Asp683Asn)

Gene: LRP5 (LDL receptor related protein 5; plus strand). Cytogenetic location: 11q13.2.
Variant type: single nucleotide variant.
Coding change: c.2047G>A on transcript NM_002335.4 (MANE Select); coding-DNA position 2047, G replaced by A.
Protein change: p.Asp683Asn; replaces aspartic acid 683 with asparagine.
Molecular consequence: missense variant.
Genome position (GRCh38, 1-based): chr11:68,406,769, G>A. VCF-style: chr11-68406769-G-A. GRCh37 (hg19) VCF-style: chr11-68174237-G-A.
Other names: c.304G>A, p.Asp102Asn (NM_001291902.2); short protein forms D102N, D683N.
Identifiers: ClinVar variation 862600 (VCV000862600.10), dbSNP rs1470530779, ClinGen allele CA381615840.